The following is an entry in ClinVar:

NM_004937.3(CTNS):c.*262G>A

Gene: CTNS (cystinosin, lysosomal cystine transporter; plus strand). Cytogenetic location: 17p13.2.
Variant type: single nucleotide variant.
Coding change: c.*262G>A on transcript NM_004937.3 (MANE Select); 262 bases downstream of the stop codon, G replaced by A.
Molecular consequence: 3 prime UTR variant. On other transcripts: missense variant (2).
Genome position (GRCh38, 1-based): chr17:3,660,631, G>A. VCF-style: chr17-3660631-G-A. GRCh37 (hg19) VCF-style: chr17-3563925-G-A.
Other names: c.1100G>A, p.Arg367His (NM_001031681.3, NM_001374492.1); c.*262G>A (NM_001374493.1, NM_001374494.1, NM_001374495.1 and 1 more transcripts); c.1100G>A (NM_001031681.2); short protein forms R367H.
Identifiers: ClinVar variation 322850 (VCV000322850.6), dbSNP rs201647994, ClinGen allele CA8292071.
Genomic context (GRCh38, chr17:3,660,631, plus strand): 5'-GGCACGTGGCACCGTCGCCTTGACACCGCCATCTCTTTTCTTTAAGGCTTCAGGCAGCGC[G>A]CACAGGCTCTGGCAGCCGTCTCAGGCAGGACTGGGCACCAAGCTTGCAGCCGAAGGCCTT-3'

ClinVar aggregate classification (germline): Conflicting classifications of pathogenicity. Review status: criteria provided, conflicting classifications (1 of 4 stars). 3 submissions from 2 submitters: Uncertain significance (2); Likely benign (1). Last evaluated 2026-04-28.

Conditions:
CTNS-related disorder. Also called: CTNS-related condition.
Ocular cystinosis. Also called: Non-Nephropathic Cystinosis; Non-Nephropathic (Ocular) Cystinosis. Identifiers: Orphanet 213, Orphanet 411641, MedGen C2931013, MONDO:0009064, OMIM 219750.
Nephropathic cystinosis (CTNS). Also called: Abderhalden Lignac Kaufmann disease; Abderhalden-Kaufmann-Lignac syndrome; CYSTINOSIN, DEFECT OF; LYSOSOMAL CYSTINE TRANSPORT PROTEIN, DEFECT OF. Identifiers: Orphanet 213, Orphanet 411629, MedGen C2931187, MONDO:0100151, OMIM 219800.

Allele frequency attached by ClinVar (database versions not stated): gnomAD 0.00026 and 0.00029; ExAC 0.00029; gnomAD exomes 0.00037; TOPMed 0.00040; 1000 Genomes Project 0.00060; 1000 Genomes Project 30x 0.00062.
gnomAD v4.1: 224 of 1,613,532 alleles (0.014%); highest among the groups gnomAD compares: East Asian, 0.33%; no homozygotes.

Submissions (3):

PreventionGenetics, part of Exact Sciences
Classification: Likely benign for CTNS-related condition. Last evaluated: 2026-04-28. Review status: criteria provided, single submitter. Criteria: ACMG Guidelines, 2015. Collection method: clinical testing. Allele origin: germline.
Comment: This variant is classified as likely benign based on ACMG/AMP sequence variant interpretation guidelines (Richards et al. 2015 PMID: 25741868, with internal and published modifications).

Illumina Laboratory Services, Illumina
Classification: Uncertain significance for Ocular cystinosis. Last evaluated: 2018-01-13. Review status: criteria provided, single submitter. Criteria: ICSL Variant Classification Criteria 13 December 2019. Collection method: clinical testing. Allele origin: germline.

Illumina Laboratory Services, Illumina
Classification: Uncertain significance for Nephropathic cystinosis. Last evaluated: 2018-01-13. Review status: criteria provided, single submitter. Criteria: ICSL Variant Classification Criteria 13 December 2019. Collection method: clinical testing. Allele origin: germline.